The following is an entry in ClinVar:

NM_002485.5(NBN):c.707A>G (p.Lys236Arg)

Gene: NBN (nibrin; minus strand). Cytogenetic location: 8q21.3.
Variant type: single nucleotide variant.
Coding change: c.707A>G on transcript NM_002485.5 (MANE Select); coding-DNA position 707, A replaced by G.
Protein change: p.Lys236Arg; replaces lysine 236 with arginine.
Molecular consequence: missense variant.
Genome position (GRCh38, 1-based): chr8:89,970,553, T>C on the plus strand (A>G on the coding strand, the complement: NBN is on the minus strand). VCF-style: chr8-89970553-T-C. GRCh37 (hg19) VCF-style: chr8-90982781-T-C.
Other names: c.461A>G, p.Lys154Arg (NM_001024688.3); short protein forms K154R, K236R.
Identifiers: ClinVar variation 943132 (VCV000943132.9), dbSNP rs1811466882, ClinGen allele CA371658894.

ClinVar aggregate classification (germline): Uncertain significance (1 of 4 stars; one submission).

Conditions:
Microcephaly, normal intelligence and immunodeficiency (NBS). Also called: Nijmegen breakage syndrome; IMMUNODEFICIENCY, MICROCEPHALY, AND CHROMOSOMAL INSTABILITY; Immunodeficiency, microcephaly with normal intelligence; Microcephaly with normal intelligence immunodeficiency and lymphoreticular malignancies; Nonsyndromal microcephaly autosomal recessive with normal intelligence; Seemanova syndrome 2. Identifiers: Orphanet 647, MedGen C0398791, MONDO:0009623, OMIM 251260.

Submission:

Labcorp Genetics (formerly Invitae), Labcorp
Classification: Uncertain significance for Microcephaly, normal intelligence and immunodeficiency. Last evaluated: 2025-07-31. Review status: criteria provided, single submitter. Criteria: Invitae Variant Classification Sherloc (09022015). Collection method: clinical testing. Allele origin: germline.
Comment: This sequence change replaces lysine, which is basic and polar, with arginine, which is basic and polar, at codon 236 of the NBN protein (p.Lys236Arg). This variant is not present in population databases (gnomAD no frequency). This variant has not been reported in the literature in individuals affected with NBN-related conditions. ClinVar contains an entry for this variant (Variation ID: 943132). An algorithm developed to predict the effect of missense changes on protein structure and function (PolyPhen-2) suggests that this variant is likely to be tolerated. In summary, the available evidence is currently insufficient to determine the role of this variant in disease. Therefore, it has been classified as a Variant of Uncertain Significance.